The following is an entry in ClinVar:

ClinVar aggregate classification (germline): Uncertain significance. Review status: criteria provided, multiple submitters, no conflicts (2 of 4 stars). 2 submissions from 2 submitters: Uncertain significance (2). Last evaluated 2024-09-24.

Conditions:
Epidermolysis bullosa simplex 3, localized or generalized intermediate, with BP230 deficiency (EBS3). Also called: Epidermolysis bullosa simplex, autosomal recessive 2; Epidermolysis bullosa simplex due to BP230 deficiency. Identifiers: Orphanet 412181, MedGen C3809470, MONDO:0014180, OMIM 615425.
Hereditary sensory and autonomic neuropathy type 6. Also called: HSAN VI; Neuropathy, hereditary sensory and autonomic, type VI. Identifiers: Orphanet 314381, MedGen C3539003, MONDO:0013839, OMIM 614653.

Allele frequency attached by ClinVar (database versions not stated): ExAC 0.00006; gnomAD 0.00007; gnomAD exomes 0.00007 and 0.00015; TOPMed 0.00007; ESP Exome Variant Server 0.00008.
gnomAD v4.1: 235 of 1,613,728 alleles (0.015%); highest among the groups gnomAD compares: Non-Finnish European, 0.018%; no homozygotes.

Submissions (2):

GeneDx
Classification: Uncertain significance. Last evaluated: 2024-09-24. Review status: criteria provided, single submitter. Criteria: GeneDx Variant Classification Process June 2021. Collection method: clinical testing. Allele origin: germline. Affected: yes.
Comment: In silico analysis indicates that this missense variant does not alter protein structure/function; Has not been previously published as pathogenic or benign to our knowledge

Labcorp Genetics (formerly Invitae), Labcorp
Classification: Uncertain significance for Epidermolysis bullosa simplex 3, localized or generalized intermediate, with BP230 deficiency; Hereditary sensory and autonomic neuropathy type 6. Last evaluated: 2022-09-07. Review status: criteria provided, single submitter. Criteria: Invitae Variant Classification Sherloc (09022015). Collection method: clinical testing. Allele origin: germline.
Comment: This sequence change replaces lysine, which is basic and polar, with arginine, which is basic and polar, at codon 1466 of the DST protein (p.Lys1466Arg). This variant is present in population databases (rs144279221, gnomAD 0.01%). This variant has not been reported in the literature in individuals affected with DST-related conditions. ClinVar contains an entry for this variant (Variation ID: 357575). Algorithms developed to predict the effect of missense changes on protein structure and function (SIFT, PolyPhen-2, Align-GVGD) all suggest that this variant is likely to be disruptive. In summary, the available evidence is currently insufficient to determine the role of this variant in disease. Therefore, it has been classified as a Variant of Uncertain Significance.

NM_001723.7(DST):c.4397A>G (p.Lys1466Arg)

Gene: DST (dystonin; minus strand). Cytogenetic location: 6p12.1.
Variant type: single nucleotide variant.
Coding change: c.4397A>G on transcript NM_001723.7 (MANE Plus Clinical); coding-DNA position 4397, A replaced by G.
Protein change: p.Lys1466Arg; replaces lysine 1466 with arginine.
Molecular consequence: missense variant. On other transcripts: intron variant (10).
Genome position (GRCh38, 1-based): chr6:56,619,637, T>C on the plus strand (A>G on the coding strand, the complement: DST is on the minus strand). VCF-style: chr6-56619637-T-C. GRCh37 (hg19) VCF-style: chr6-56484435-T-C.
Other names: c.4830+4893A>G (NM_001144769.5); c.4929+4893A>G (NM_001374722.1, NM_001374736.1); c.4956+4893A>G (NM_001374734.1); c.4416+4893A>G (NM_001144770.2); c.4296+4893A>G (NM_001374730.1, NM_001386100.1, NM_183380.4 and 1 more transcripts); c.3318+4893A>G (NM_015548.5); short protein forms K1466R.
Identifiers: ClinVar variation 357575 (VCV000357575.10), dbSNP rs144279221, ClinGen allele CA3870534.